The following is an entry in ClinVar:

ClinVar aggregate classification (germline): Uncertain significance (1 of 4 stars; one submission).

Conditions:
Cardiovascular phenotype. Identifiers: MedGen CN230736.

Allele frequency attached by ClinVar (database versions not stated): ExAC 0.00003; gnomAD exomes 0.00003; TOPMed below 0.00001; gnomAD 0.00002.
gnomAD v4.1: 42 of 1,611,604 alleles (0.0026%); highest among the groups gnomAD compares: South Asian, 0.045%; no homozygotes.

Submission:

Ambry Genetics
Classification: Uncertain significance for Cardiovascular phenotype. Last evaluated: 2022-11-10. Review status: criteria provided, single submitter. Criteria: Ambry Variant Classification Scheme 2023. Collection method: clinical testing. Allele origin: germline.
Comment: The p.E2084D variant (also known as c.6252A>T), located in coding exon 17 of the TNXB gene, results from an A to T substitution at nucleotide position 6252. The glutamic acid at codon 2084 is replaced by aspartic acid, an amino acid with highly similar properties. This amino acid position is conserved. In addition, this alteration is predicted to be tolerated by in silico analysis. Since supporting evidence is limited at this time, the clinical significance of this alteration remains unclear.

NM_001365276.2(TNXB):c.6252A>T (p.Glu2084Asp)

Gene: TNXB (tenascin XB; minus strand). Cytogenetic location: 6p21.33.
Variant type: single nucleotide variant.
Coding change: c.6252A>T on transcript NM_001365276.2 (MANE Select); coding-DNA position 6252, A replaced by T.
Protein change: p.Glu2084Asp; replaces glutamic acid 2084 with aspartic acid.
Molecular consequence: missense variant.
Genome position (GRCh38, 1-based): chr6:32,067,953, T>A on the plus strand (A>T on the coding strand, the complement: TNXB is on the minus strand). VCF-style: chr6-32067953-T-A. GRCh37 (hg19) VCF-style: chr6-32035730-T-A.
Other names: c.6252A>T, p.Glu2084Asp (NM_019105.8); short protein forms E2084D.
Identifiers: ClinVar variation 2451115 (VCV002451115.2), dbSNP rs777165418, ClinGen allele CA3734488.